The following is an entry in ClinVar:

ClinVar aggregate classification (germline): Uncertain significance (1 of 4 stars; one submission).

Conditions:
Autosomal dominant Alport syndrome (ATS3A). Also called: ALPORT SYNDROME 3A, AUTOSOMAL DOMINANT; Alport syndrome dominant type; Renal failure and sensorineural hearing loss. Identifiers: Orphanet 63, Orphanet 88918, MedGen C5882663, MONDO:0007086, OMIM 104200.

Submission:

Department of Nephrology, Rheumatology and Immunology, Shanghai Children's Hospital
Classification: Uncertain significance for Autosomal dominant Alport syndrome. Last evaluated: 2018-02-12. Review status: criteria provided, single submitter. Criteria: ACMG Guidelines, 2015. Collection method: clinical testing. Allele origin: de novo. Affected: yes. Observed: 1 variant allele.
Comment: The NM_000091.5(COL4A3):c.2555C>T (p.Pro852Leu) is a missense variant in COL4A3. This variant is absent from the gnomAD v3.1.2 (GRCh38) population database (PM2). While the variant is reported as a de novo occurrence, formal parental identity testing (e.g., via STR or SNP analysis) was not performed to satisfy the stringent requirements for PS2 or PM6 criteria (internal data). In summary, this variant meets criteria to be classified as Uncertain Significance for Alport syndrome based on the ACMG/AMP 2015 criteria applied: PM2, PP4.

NM_000091.5(COL4A3):c.2555C>T (p.Pro852Leu)

Genes: MFF-DT (MFF divergent transcript; minus strand), COL4A3 (collagen type IV alpha 3 chain; plus strand). Cytogenetic location: 2q36.3.
Variant type: single nucleotide variant.
Coding change: c.2555C>T on transcript NM_000091.5 (MANE Select); coding-DNA position 2555, C replaced by T.
Protein change: p.Pro852Leu; replaces proline 852 with leucine.
Molecular consequence: missense variant.
Genome position (GRCh38, 1-based): chr2:227,282,431, C>T. VCF-style: chr2-227282431-C-T. GRCh37 (hg19) VCF-style: chr2-228147147-C-T.
Other names: short protein forms P852L.
Identifiers: ClinVar variation 4796716 (VCV004796716.1).